The following is an entry in ClinVar:

ClinVar aggregate classification (germline): Uncertain significance. Review status: criteria provided, multiple submitters, no conflicts (2 of 4 stars). 2 submissions from 2 submitters: Uncertain significance (2). Last evaluated 2024-10-31.

Conditions:
Hereditary cancer-predisposing syndrome. Also called: Hereditary Cancer Syndrome; Hereditary neoplastic syndrome; Neoplastic Syndromes, Hereditary; Tumor predisposition. Identifiers: Orphanet 140162, MedGen C0027672, MeSH D009386, MONDO:0015356.

Submissions (2):

Labcorp Genetics (formerly Invitae), Labcorp
Classification: Uncertain significance. Last evaluated: 2024-10-31. Review status: criteria provided, single submitter. Criteria: Invitae Variant Classification Sherloc (09022015). Collection method: clinical testing. Allele origin: germline.
Comment: This sequence change replaces methionine, which is neutral and non-polar, with leucine, which is neutral and non-polar, at codon 319 of the CTNNA1 protein (p.Met319Leu). This variant is not present in population databases (gnomAD no frequency). This variant has not been reported in the literature in individuals affected with CTNNA1-related conditions. ClinVar contains an entry for this variant (Variation ID: 1767372). An algorithm developed to predict the effect of missense changes on protein structure and function (PolyPhen-2) suggests that this variant is likely to be tolerated. In summary, the available evidence is currently insufficient to determine the role of this variant in disease. Therefore, it has been classified as a Variant of Uncertain Significance.

Ambry Genetics
Classification: Uncertain significance for Hereditary cancer-predisposing syndrome. Last evaluated: 2022-01-15. Review status: criteria provided, single submitter. Criteria: Ambry Variant Classification Scheme 2023. Collection method: clinical testing. Allele origin: germline.
Comment: The p.M319L variant (also known as c.955A>C), located in coding exon 6 of the CTNNA1 gene, results from an A to C substitution at nucleotide position 955. The methionine at codon 319 is replaced by leucine, an amino acid with highly similar properties. This amino acid position is conserved. In addition, the in silico prediction for this alteration is inconclusive. Since supporting evidence is limited at this time, the clinical significance of this alteration remains unclear.

NM_001903.5(CTNNA1):c.955A>C (p.Met319Leu)

Gene: CTNNA1 (catenin alpha 1; plus strand). Cytogenetic location: 5q31.2.
Variant type: single nucleotide variant.
Coding change: c.955A>C on transcript NM_001903.5 (MANE Select); coding-DNA position 955, A replaced by C.
Protein change: p.Met319Leu; replaces methionine 319 with leucine.
Molecular consequence: missense variant.
Genome position (GRCh38, 1-based): chr5:138,827,611, A>C. VCF-style: chr5-138827611-A-C. GRCh37 (hg19) VCF-style: chr5-138163300-A-C.
Other names: c.586A>C, p.Met196Leu (NM_001290310.3); c.955A>C, p.Met319Leu (NM_001323983.1, NM_001323984.2, NM_001323982.2 and 3 more transcripts); c.646A>C, p.Met216Leu (NM_001290309.3); short protein forms M196L, M216L, M319L.
Identifiers: ClinVar variation 1767372 (VCV001767372.4), dbSNP rs2532447065, ClinGen allele CA361130959.
Genomic context (GRCh38, chr5:138,827,611, plus strand): 5'-GAGCGCTTTAGGCCTTCCCTGGAGGAGCGTCTGGAAAGCATCATTAGTGGGGCTGCCTTG[A>C]TGGCCGACTCGTCCTGCACGCGTGATGACCGTCGTGAGCGAATTGTGGCAGAGTGTAATG-3'
Protein context (NP_001894.2, residues 309-329): LESIISGAAL[Met319Leu]ADSSCTRDDR